The following is an entry in ClinVar:

NM_024675.4(PALB2):c.1684+29A>G

Gene: PALB2 (partner and localizer of BRCA2; minus strand). Cytogenetic location: 16p12.2.
Variant type: single nucleotide variant.
Coding change: c.1684+29A>G on transcript NM_024675.4 (MANE Select); 29 bases into the intron after coding-DNA position 1684, A replaced by G.
Molecular consequence: intron variant.
Genome position (GRCh38, 1-based): chr16:23,634,833, T>C on the plus strand (A>G on the coding strand, the complement: PALB2 is on the minus strand). VCF-style: chr16-23634833-T-C. GRCh37 (hg19) VCF-style: chr16-23646154-T-C.
Identifiers: ClinVar variation 126616 (VCV000126616.17), dbSNP rs74320059, ClinGen allele CA269506.
Genomic context (GRCh38, chr16:23,634,833, plus strand): 5'-TAGAAAAGAAAGAAAAGGAAGTGCCAGGCAAATAGTAATTGTTAACTTTCATCATCATCA[T>C]CATCATCATCAAACACATCTTGATTTACCTTTCACTTGAATAAATAATTTTTCGTGCTGA-3'

ClinVar aggregate classification (germline): Benign. Review status: criteria provided, multiple submitters, no conflicts (2 of 4 stars). 9 submissions from 9 submitters: Benign (6). 3 of the submissions do not count toward it. Last evaluated 2025-03-04.

Conditions:
Breast-ovarian cancer, familial, susceptibility to, 5 (BROVCA5). Identifiers: MedGen C5830615, MONDO:0957530, OMIM 620442.
Hereditary cancer-predisposing syndrome. Also called: Tumor predisposition; Neoplastic Syndromes, Hereditary; Hereditary neoplastic syndrome; Hereditary Cancer Syndrome. Identifiers: Orphanet 140162, MedGen C0027672, MeSH D009386, MONDO:0015356.
Hereditary breast ovarian cancer syndrome. Also called: Hereditary breast and ovarian cancer; Hereditary breast and ovarian cancer syndrome (HBOC); Breast and ovarian cancer; BRCA1- and BRCA2-Associated Hereditary Breast and Ovarian Cancer; Hereditary breast and ovarian cancer syndrome; Hereditary breast and/or ovarian cancer syndrome. Identifiers: Orphanet 145, MedGen C0677776, MeSH D061325, MONDO:0003582. Disease mechanism: loss of function.
Familial cancer of breast. Also called: hereditary breast carcinoma; BREAST CANCER, FAMILIAL; Hereditary breast cancer. Identifiers: Orphanet 227535, MedGen C0346153, MONDO:0016419, OMIM 114480. Disease mechanism: loss of function.

Allele frequency attached by ClinVar (database versions not stated): ESP Exome Variant Server 0.02187; 1000 Genomes Project 0.02496; 1000 Genomes Project 30x 0.02826; gnomAD 0.01884; TOPMed 0.02231.

Submissions (13):

Center for Genomic Medicine, Rigshospitalet, Copenhagen University Hospital
Classification: Benign. Last evaluated: 2025-03-04. Review status: criteria provided, single submitter. Criteria: ACMG Guidelines, 2015. Collection method: clinical testing. Allele origin: germline.

KCCC/NGS Laboratory, Kuwait Cancer Control Center
Classification: Benign for Breast-ovarian cancer, familial, susceptibility to, 5. Last evaluated: 2023-07-07. Review status: criteria provided, single submitter. Criteria: ACMG Guidelines, 2015. Collection method: clinical testing. Allele origin: germline. Affected: yes.

National Health Laboratory Service, Universitas Academic Hospital and University of the Free State
Classification: Benign for Hereditary breast ovarian cancer syndrome. Last evaluated: 2022-04-19. Review status: criteria provided, single submitter. Criteria: ACMG Guidelines, 2015. Collection method: clinical testing. Allele origin: germline. Affected: yes. Observed: 32 variant alleles.

Vantari Genetics
Classification: Benign for Hereditary cancer-predisposing syndrome. Last evaluated: 2016-02-04. Review status: criteria provided, single submitter. Criteria: ACMG Guidelines, 2015. Collection method: clinical testing. Allele origin: germline.

GeneDx
Classification: Benign. Last evaluated: 2015-03-03. Review status: criteria provided, single submitter. Criteria: GeneDx Variant Classification Process June 2021. Collection method: clinical testing. Allele origin: germline. Affected: yes.

PreventionGenetics, part of Exact Sciences
Classification: Benign. Review status: criteria provided, single submitter. Criteria: ACMG Guidelines, 2015. Collection method: clinical testing. Allele origin: germline.

Leiden Open Variation Database
Classification: Benign for Familial cancer of breast. Last evaluated: 2019-05-13. Review status: no assertion criteria provided. Collection method: curation. Allele origin: germline. Affected: yes. Not counted in ClinVar's aggregate classification.
Comment: Curators: Marc Tischkowitz, Arleen D. Auerbach. Submitter to LOVD: Marc Tischkowitz.

Clinical Genetics Laboratory, Department of Pathology, Netherlands Cancer Institute
Classification: Benign. Review status: no assertion criteria provided. Collection method: clinical testing. Allele origin: germline. Affected: yes. Study: VKGL Data-share Consensus. Not counted in ClinVar's aggregate classification.

Dr. Peter K. Rogan Lab, Western University
No classification provided (evidence only). Condition: Acute myeloid leukemia. Review status: no classification provided. Collection method: in vitro. Allele origin: not applicable. Functional consequence: retained intron. Not counted in ClinVar's aggregate classification.

Dr. Peter K. Rogan Lab, Western University
No classification provided (evidence only). Condition: Uterine corpus endometrial carcinoma. Review status: no classification provided. Collection method: in vitro. Allele origin: not applicable. Functional consequence: retained intron. Not counted in ClinVar's aggregate classification.

Dr. Peter K. Rogan Lab, Western University
No classification provided (evidence only). Condition: Sarcoma. Review status: no classification provided. Collection method: in vitro. Allele origin: not applicable. Functional consequence: retained intron. Not counted in ClinVar's aggregate classification.

Dr. Peter K. Rogan Lab, Western University
No classification provided (evidence only). Condition: Malignant tumor of esophagus. Review status: no classification provided. Collection method: in vitro. Allele origin: not applicable. Functional consequence: skipped exon. Not counted in ClinVar's aggregate classification.

Joint Genome Diagnostic Labs from Nijmegen and Maastricht, Radboudumc and MUMC+
Classification: Benign. Review status: no assertion criteria provided. Collection method: clinical testing. Allele origin: germline. Affected: yes. Study: VKGL Data-share Consensus. Not counted in ClinVar's aggregate classification.

Literature cited by the submitters: PubMed 18302019 (cited by Leiden Open Variation Database); PubMed 22052327 (cited by Leiden Open Variation Database).